The following is an entry in ClinVar:

ClinVar aggregate classification (germline): Uncertain significance (1 of 4 stars; one submission).

Conditions:
Gastrointestinal stromal tumor. Also called: Gastrointestinal stromal tumor, somatic; Gastrointestinal stroma tumor. Identifiers: Orphanet 44890, MedGen C0238198, MeSH D046152, MONDO:0011719, OMIM 606764, HP:0100723.

Submission:

Labcorp Genetics (formerly Invitae), Labcorp
Classification: Uncertain significance for Gastrointestinal stromal tumor. Last evaluated: 2024-04-22. Review status: criteria provided, single submitter. Criteria: Invitae Variant Classification Sherloc (09022015). Collection method: clinical testing. Allele origin: germline.
Comment: This sequence change replaces aspartic acid, which is acidic and polar, with alanine, which is neutral and non-polar, at codon 419 of the PDGFRA protein (p.Asp419Ala). This variant is not present in population databases (gnomAD no frequency). This variant has not been reported in the literature in individuals affected with PDGFRA-related conditions. ClinVar contains an entry for this variant (Variation ID: 1053395). Advanced modeling of protein sequence and biophysical properties (such as structural, functional, and spatial information, amino acid conservation, physicochemical variation, residue mobility, and thermodynamic stability) performed at Invitae indicates that this missense variant is not expected to disrupt PDGFRA protein function with a negative predictive value of 80%. In summary, the available evidence is currently insufficient to determine the role of this variant in disease. Therefore, it has been classified as a Variant of Uncertain Significance.

NM_006206.6(PDGFRA):c.1256A>C (p.Asp419Ala)

Gene: PDGFRA (platelet derived growth factor receptor alpha; plus strand). Cytogenetic location: 4q12.
Variant type: single nucleotide variant.
Coding change: c.1256A>C on transcript NM_006206.6 (MANE Select); coding-DNA position 1256, A replaced by C.
Protein change: p.Asp419Ala; replaces aspartic acid 419 with alanine.
Molecular consequence: missense variant.
Genome position (GRCh38, 1-based): chr4:54,272,412, A>C. VCF-style: chr4-54272412-A-C. GRCh37 (hg19) VCF-style: chr4-55138579-A-C.
Other names: c.1256A>C, p.Asp419Ala (NM_001347827.2, NM_001347829.2); c.1331A>C, p.Asp444Ala (NM_001347828.2); c.1295A>C, p.Asp432Ala (NM_001347830.2); short protein forms D419A, D432A, D444A.
Identifiers: ClinVar variation 1053395 (VCV001053395.16), dbSNP rs2110286753, ClinGen allele CA356892170.